The following is an entry in ClinVar:

NM_004380.3(CREBBP):c.6453G>C (p.Arg2151=)

Gene: CREBBP (CREB binding lysine acetyltransferase; minus strand). Cytogenetic location: 16p13.3.
Variant type: single nucleotide variant.
Coding change: c.6453G>C on transcript NM_004380.3 (MANE Select); coding-DNA position 6453, G replaced by C.
Protein change: p.Arg2151=; no amino-acid change (arginine 2151 retained).
Molecular consequence: synonymous variant.
Genome position (GRCh38, 1-based): chr16:3,728,594, C>G on the plus strand (G>C on the coding strand, the complement: CREBBP is on the minus strand). VCF-style: chr16-3728594-C-G. GRCh37 (hg19) VCF-style: chr16-3778595-C-G.
Other names: c.6339G>C, p.Arg2113= (NM_001079846.1); c.6453G>C (NM_004380.2).
Identifiers: ClinVar variation 2183037 (VCV002183037.6), dbSNP rs1394591377, ClinGen allele CA493393782.

ClinVar aggregate classification (germline): Likely benign. Review status: criteria provided, single submitter (1 of 4 stars). 2 submissions from 2 submitters: Likely benign (1). 1 of the submissions does not count toward it. Last evaluated 2024-07-27.

Conditions:
CREBBP-related disorder. Also called: CREBBP-related condition; CREBBP-related disorders.
Rubinstein-Taybi syndrome (RSTS). Identifiers: Orphanet 783, MedGen C0035934, MONDO:0019188.

Allele frequency attached by ClinVar (database versions not stated): gnomAD exomes 0.00001; TOPMed 0.00002; gnomAD 0.00003.
gnomAD v4.1: 8 of 1,613,654 alleles (0.0005%); highest among the groups gnomAD compares: Admixed American, 0.013%; no homozygotes.

Submissions (2):

Labcorp Genetics (formerly Invitae), Labcorp
Classification: Likely benign for Rubinstein-Taybi syndrome. Last evaluated: 2024-07-27. Review status: criteria provided, single submitter. Criteria: Invitae Variant Classification Sherloc (09022015). Collection method: clinical testing. Allele origin: germline.

PreventionGenetics, part of Exact Sciences
Classification: Likely benign for CREBBP-related condition. Last evaluated: 2022-11-10. Review status: no assertion criteria provided. Collection method: clinical testing. Allele origin: germline. Not counted in ClinVar's aggregate classification.
Comment: This variant is classified as likely benign based on ACMG/AMP sequence variant interpretation guidelines (Richards et al. 2015 PMID: 25741868, with internal and published modifications).